The following is an entry in ClinVar:

NM_006206.6(PDGFRA):c.2668T>G (p.Ser890Ala)

Gene: PDGFRA (platelet derived growth factor receptor alpha; plus strand). Cytogenetic location: 4q12.
Variant type: single nucleotide variant.
Coding change: c.2668T>G on transcript NM_006206.6 (MANE Select); coding-DNA position 2668, T replaced by G.
Protein change: p.Ser890Ala; replaces serine 890 with alanine.
Molecular consequence: missense variant.
Genome position (GRCh38, 1-based): chr4:54,287,535, T>G. VCF-style: chr4-54287535-T-G. GRCh37 (hg19) VCF-style: chr4-55153702-T-G.
Other names: c.2743T>G, p.Ser915Ala (NM_001347828.2); c.2668T>G, p.Ser890Ala (NM_001347829.2); c.2707T>G, p.Ser903Ala (NM_001347830.2); short protein forms S915A, S890A, S903A.
Identifiers: ClinVar variation 2453860 (VCV002453860.2), dbSNP rs2110341813, ClinGen allele CA356895372.

ClinVar aggregate classification (germline): Uncertain significance (1 of 4 stars; one submission).

Conditions:
Hereditary cancer-predisposing syndrome. Also called: Neoplastic Syndromes, Hereditary; Hereditary neoplastic syndrome; Tumor predisposition; Hereditary Cancer Syndrome. Identifiers: Orphanet 140162, MedGen C0027672, MeSH D009386, MONDO:0015356.

Submission:

Ambry Genetics
Classification: Uncertain significance for Hereditary cancer-predisposing syndrome. Last evaluated: 2023-01-05. Review status: criteria provided, single submitter. Criteria: Ambry Variant Classification Scheme 2023. Collection method: clinical testing. Allele origin: germline.
Comment: The p.S890A variant (also known as c.2668T>G), located in coding exon 18 of the PDGFRA gene, results from a T to G substitution at nucleotide position 2668. The serine at codon 890 is replaced by alanine, an amino acid with similar properties. This amino acid position is conserved. In addition, the in silico prediction for this alteration is inconclusive. Since supporting evidence is limited at this time, the clinical significance of this alteration remains unclear.